The following is an entry in ClinVar:

ClinVar aggregate classification (germline): Uncertain significance (1 of 4 stars; one submission).

gnomAD v4.1: 1 of 1,614,126 alleles (0.000062%); highest among the groups gnomAD compares: South Asian, 0.0011%; no homozygotes.

Submission:

Labcorp Genetics (formerly Invitae), Labcorp
Classification: Uncertain significance. Last evaluated: 2025-04-01. Review status: criteria provided, single submitter. Criteria: Invitae Variant Classification Sherloc (09022015). Collection method: clinical testing. Allele origin: germline.
Comment: This sequence change replaces proline, which is neutral and non-polar, with serine, which is neutral and polar, at codon 566 of the ACOX2 protein (p.Pro566Ser). This variant is not present in population databases (gnomAD no frequency). This variant has not been reported in the literature in individuals affected with ACOX2-related conditions. An algorithm developed to predict the effect of missense changes on protein structure and function outputs the following: PolyPhen-2: "Benign". The serine amino acid residue is found in multiple mammalian species, which suggests that this missense change does not adversely affect protein function. In summary, the available evidence is currently insufficient to determine the role of this variant in disease. Therefore, it has been classified as a Variant of Uncertain Significance.

NM_003500.4(ACOX2):c.1696C>T (p.Pro566Ser)

Gene: ACOX2 (acyl-CoA oxidase 2; minus strand). Cytogenetic location: 3p14.3.
Variant type: single nucleotide variant.
Coding change: c.1696C>T on transcript NM_003500.4 (MANE Select); coding-DNA position 1696, C replaced by T.
Protein change: p.Pro566Ser; replaces proline 566 with serine.
Molecular consequence: missense variant.
Genome position (GRCh38, 1-based): chr3:58,517,360, G>A on the plus strand (C>T on the coding strand, the complement: ACOX2 is on the minus strand). VCF-style: chr3-58517360-G-A. GRCh37 (hg19) VCF-style: chr3-58503087-G-A.
Other names: short protein forms P566S.
Identifiers: ClinVar variation 3685868 (VCV003685868.2).
Genomic context (GRCh38, chr3:58,517,360, plus strand): 5'-TCAAGATTCCATGTATGGCATGGAGGTCACAGAGGCGCTTGAGCACCTGCTGAATCGCTG[G>A]TTCATTTTCTAGTTTCTCCAGAGCTTCTGTAAAACCCTTCACAGTGACATAGTAGCAGTG-3'
Protein context (NP_003491.1, residues 556-576): TEALEKLENE[Pro566Ser]AIQQVLKRLC